The following is an entry in ClinVar:

ClinVar aggregate classification (germline): Uncertain significance (1 of 4 stars; one submission).

Submission:

Ambry Genetics
Classification: Uncertain significance. Last evaluated: 2023-04-22. Review status: criteria provided, single submitter. Criteria: Ambry Variant Classification Scheme 2023. Collection method: clinical testing. Allele origin: germline.
Comment: The p.S20F variant (also known as c.59C>T), located in coding exon 1 of the ALPK2 gene, results from a C to T substitution at nucleotide position 59. The serine at codon 20 is replaced by phenylalanine, an amino acid with highly dissimilar properties. This amino acid position is conserved. In addition, this alteration is predicted to be tolerated by in silico analysis. Since supporting evidence is limited at this time, the clinical significance of this alteration remains unclear.

NM_052947.4(ALPK2):c.59C>T (p.Ser20Phe)

Gene: ALPK2 (alpha kinase 2; minus strand). Cytogenetic location: 18q21.32.
Variant type: single nucleotide variant.
Coding change: c.59C>T on transcript NM_052947.4 (MANE Select); coding-DNA position 59, C replaced by T.
Protein change: p.Ser20Phe; replaces serine 20 with phenylalanine.
Molecular consequence: missense variant.
Genome position (GRCh38, 1-based): chr18:58,611,739, G>A on the plus strand (C>T on the coding strand, the complement: ALPK2 is on the minus strand). VCF-style: chr18-58611739-G-A. GRCh37 (hg19) VCF-style: chr18-56278971-G-A.
Other names: short protein forms S20F.
Identifiers: ClinVar variation 2560611 (VCV002560611.2), dbSNP rs2518915315, ClinGen allele CA402558048.
Genomic context (GRCh38, chr18:58,611,739, plus strand): 5'-TGATGGTTACCAGATATTATGCAGCGAAGCACAGCGTCTGACTTCTCAGGAACCTTCTGG[G>A]AAAGCAATGTAGATAAAAAACACAGCGGGGGCCTCTGGGGCCCTTCGGAGTCTTTCATCC-3'
Protein context (NP_443179.3, residues 10-30): PPLCFLSTLL[Ser20Phe]QKVPEKSDAV